The following is an entry in ClinVar:

NM_001111125.3(IQSEC2):c.2617C>A (p.Arg873Ser)

Gene: IQSEC2 (IQ motif and Sec7 domain ArfGEF 2; minus strand). Cytogenetic location: Xp11.22.
Variant type: single nucleotide variant.
Coding change: c.2617C>A on transcript NM_001111125.3 (MANE Select); coding-DNA position 2617, C replaced by A.
Protein change: p.Arg873Ser; replaces arginine 873 with serine.
Molecular consequence: missense variant.
Genome position (GRCh38, 1-based): chrX:53,247,101, G>T on the plus strand (C>A on the coding strand, the complement: IQSEC2 is on the minus strand). VCF-style: chrX-53247101-G-T. GRCh37 (hg19) VCF-style: chrX-53276283-G-T.
Other names: c.2002C>A, p.Arg668Ser (NM_015075.2); short protein forms R668S, R873S.
Identifiers: ClinVar variation 1329958 (VCV001329958.4), dbSNP rs782383669, ClinGen allele CA413156321.

ClinVar aggregate classification (germline): Uncertain significance. Review status: criteria provided, multiple submitters, no conflicts (2 of 4 stars). 2 submissions from 2 submitters: Uncertain significance (2). Last evaluated 2024-10-21.

Conditions:
Intellectual developmental disorder, X-linked 1. Also called: Atkin Flaitz Patil Smith syndrome; MENTAL RETARDATION, X-LINKED 18; MENTAL RETARDATION, X-LINKED 78; Intellectual disability, X-linked 1. Identifiers: Orphanet 777, MedGen C2931498, MONDO:0010656, OMIM 309530.

Submissions (2):

Greenwood Genetic Center Diagnostic Laboratories, Greenwood Genetic Center
Classification: Uncertain significance. Last evaluated: 2024-10-21. Review status: criteria provided, single submitter. Criteria: ACMG Guidelines, 2015. Collection method: clinical testing. Allele origin: germline. Affected: yes.
Comment: PM2, BP4, PP2

Institute of Human Genetics, University of Leipzig Medical Center
Classification: Uncertain significance for Intellectual developmental disorder, X-linked 1. Last evaluated: 2021-12-20. Review status: criteria provided, single submitter. Criteria: ACMG Guidelines, 2015. Collection method: clinical testing. Allele origin: maternal. Inheritance: X-linked dominant inheritance. Affected: yes.